The following is an entry in ClinVar:

ClinVar aggregate classification (germline): Uncertain significance (1 of 4 stars; one submission).

Conditions:
RECQL5-related disorder. Also called: RECQL5-related condition.

Allele frequency attached by ClinVar (database versions not stated): TOPMed 0.00003.

Submission:

PreventionGenetics, part of Exact Sciences
Classification: Uncertain significance for RECQL5-related condition. Last evaluated: 2022-12-15. Review status: criteria provided, single submitter. Criteria: ACMG Guidelines, 2015. Collection method: clinical testing. Allele origin: germline.
Comment: The RECQL5 c.2569C>T variant is predicted to result in premature protein termination (p.Arg857*). To our knowledge, this variant has not been reported in the literature or in a large population database, indicating this variant is rare. At this time, the clinical significance of this variant is uncertain due to the absence of conclusive functional and genetic evidence.

NM_004259.7(RECQL5):c.2569C>T (p.Arg857Ter)

Gene: RECQL5 (RecQ like helicase 5; minus strand). Cytogenetic location: 17q25.1.
Variant type: single nucleotide variant.
Coding change: c.2569C>T on transcript NM_004259.7 (MANE Select); coding-DNA position 2569, C replaced by T.
Protein change: p.Arg857Ter; replaces arginine 857 with a stop codon.
Molecular consequence: nonsense.
Genome position (GRCh38, 1-based): chr17:75,628,683, G>A on the plus strand (C>T on the coding strand, the complement: RECQL5 is on the minus strand). VCF-style: chr17-75628683-G-A. GRCh37 (hg19) VCF-style: chr17-73624763-G-A.
Other names: short protein forms R857*.
Identifiers: ClinVar variation 2635639 (VCV002635639.1), dbSNP rs778498749, ClinGen allele CA294080339.